The following is an entry in ClinVar:

NM_001171.6(ABCC6):c.3415G>A (p.Ala1139Thr)

Gene: ABCC6 (ATP binding cassette subfamily C member 6; minus strand). Cytogenetic location: 16p13.11.
Variant type: single nucleotide variant.
Coding change: c.3415G>A on transcript NM_001171.6 (MANE Select); coding-DNA position 3415, G replaced by A.
Protein change: p.Ala1139Thr; replaces alanine 1139 with threonine.
Molecular consequence: missense variant.
Genome position (GRCh38, 1-based): chr16:16,163,084, C>T on the plus strand (G>A on the coding strand, the complement: ABCC6 is on the minus strand). VCF-style: chr16-16163084-C-T. GRCh37 (hg19) VCF-style: chr16-16256941-C-T.
Other names: c.3073G>A, p.Ala1025Thr (NM_001351800.1); short protein forms A1139T, A1025T.
Identifiers: ClinVar variation 381636 (VCV000381636.16), dbSNP rs63750146, ClinGen allele CA7925588.

ClinVar aggregate classification (germline): Conflicting classifications of pathogenicity. Review status: criteria provided, conflicting classifications (1 of 4 stars). 7 submissions from 7 submitters: Pathogenic (1); Likely pathogenic (5); Uncertain significance (1). Last evaluated 2026-01-18.

Conditions:
ABCC6-related disorder. Also called: ABCC6-related condition.
Arterial calcification, generalized, of infancy, 2. Identifiers: Orphanet 51608, MedGen C3276161, MONDO:0013768, OMIM 614473.
Autosomal recessive inherited pseudoxanthoma elasticum (PXE). Identifiers: Orphanet 758, MedGen CN032334, MONDO:0009925, OMIM 264800.
Pseudoxanthoma elasticum, forme fruste. Also called: Pseudoxanthoma Elasticum, Incomplete; PSEUDOXANTHOMA ELASTICUM, HETEROZYGOUS. Identifiers: Orphanet 758, MedGen C1867450, MONDO:0008333, OMIM 177850.

Allele frequency attached by ClinVar (database versions not stated): ExAC 0.00002; TOPMed 0.00002; gnomAD 0.00003; gnomAD exomes 0.00005.
gnomAD v4.1: 46 of 1,613,774 alleles (0.0029%); highest among the groups gnomAD compares: Non-Finnish European, 0.00059%; no homozygotes.

Submissions (7):

Labcorp Genetics (formerly Invitae), Labcorp
Classification: Likely pathogenic. Last evaluated: 2026-01-18. Review status: criteria provided, single submitter. Criteria: Invitae Variant Classification Sherloc (09022015). Collection method: clinical testing. Allele origin: germline.
Comment: This sequence change replaces alanine, which is neutral and non-polar, with threonine, which is neutral and polar, at codon 1139 of the ABCC6 protein (p.Ala1139Thr). This variant is present in population databases (rs63750146, gnomAD 0.08%). This missense change has been observed in individuals with pseudoxanthoma elasticum (PMID: 17617515, 34906475). ClinVar contains an entry for this variant (Variation ID: 381636). Invitae Evidence Modeling of protein sequence and biophysical properties (such as structural, functional, and spatial information, amino acid conservation, physicochemical variation, residue mobility, and thermodynamic stability) has been performed for this missense variant. However, the output from this modeling did not meet the statistical confidence thresholds required to predict the impact of this variant on ABCC6 protein function. In summary, the currently available evidence indicates that the variant is pathogenic, but additional data are needed to prove that conclusively. Therefore, this variant has been classified as Likely Pathogenic.

PreventionGenetics, part of Exact Sciences
Classification: Likely pathogenic for ABCC6-related condition. Last evaluated: 2025-02-27. Review status: criteria provided, single submitter. Criteria: ACMG Guidelines, 2015. Collection method: clinical testing. Allele origin: germline.
Comment: The ABCC6 c.3415G>A variant is predicted to result in the amino acid substitution p.Ala1139Thr. This variant has been reported as likely pathogenic in multiple individuals affected with pseudoxanthoma elasticum, including at least 4 compound heterozygous individuals (Pfendner et al. 2007. PubMed ID: 17617515; Table S1 in Verschuere et al. 2021. PubMed ID: 32873932; Table S1 in Saeidian et al. 2022. PubMed ID: 34906475). This variant is reported in 0.097% of alleles in individuals of Ashkenazi Jewish descent in gnomAD. Based on the available evidence, this variant is interpreted as likely pathogenic.

Fulgent Genetics
Classification: Likely pathogenic for Pseudoxanthoma elasticum, forme fruste; Autosomal recessive inherited pseudoxanthoma elasticum; Arterial calcification, generalized, of infancy, 2. Last evaluated: 2024-05-15. Review status: criteria provided, single submitter. Criteria: ACMG Guidelines, 2015. Collection method: clinical testing. Allele origin: germline.

Department of Pathology and Laboratory Medicine, Sinai Health System
Classification: Uncertain significance for Arterial calcification, generalized, of infancy, 2; Pseudoxanthoma elasticum, forme fruste; Autosomal recessive inherited pseudoxanthoma elasticum. Last evaluated: 2023-02-02. Review status: criteria provided, single submitter. Criteria: ACMG Guidelines, 2015. Collection method: research. Allele origin: germline.

Blueprint Genetics
Classification: Pathogenic for ABCC6-related disorders. Last evaluated: 2022-09-07. Review status: criteria provided, single submitter. Criteria: ACMG Guidelines, 2015. Collection method: clinical testing. Allele origin: germline. Affected: yes. Observed: 5 variant alleles.

PXE International
Classification: Likely pathogenic for Autosomal recessive inherited pseudoxanthoma elasticum. Last evaluated: 2021-03-01. Review status: criteria provided, single submitter. Criteria: Submitter's publication. Collection method: research. Allele origin: germline. Inheritance: Autosomal recessive inheritance. Affected: yes. Observed: 3 variant alleles. Clinical features observed: Abnormally lax or hyperextensible skin (HP:0008067), Angioid streaks (HP:0001102), Intermittent claudication (HP:0004417).

GeneDx
Classification: Likely pathogenic. Last evaluated: 2016-09-29. Review status: criteria provided, single submitter. Criteria: GeneDx Variant Classification (06012015). Collection method: clinical testing. Allele origin: germline. Affected: yes.
Comment: The A1139T variant in the ABCC6 gene also has been previously reported in patients with PXE, one of whom was homozygous for this variant (Pfendner et al., 2007). A1139T was not observed in approximately 6,500 individuals of European and African American ancestry in the NHLBI Exome Sequencing Project, indicating it is not a common benign variant in these populations. It is a non-conservative amino acid substitution, which is likely to impact secondary protein structure as these residues differ in polarity, charge, size and/or other properties. This substitution occurs at a position within the topological cytoplasmic (IC8) domain that is conserved across species and in silico analysis predicts this variant is probably damaging to the protein structure/function. Missense variants in nearby residues (R1138W/P/Q) have been reported in the Human Gene Mutation Database in association with PXE (Stenson et al., 2014), supporting the functional importance of this region of the protein.

Literature cited by the submitters: PubMed 17617515 (cited by Labcorp Genetics (formerly Invitae), Labcorp); PubMed 34906475 (cited by Labcorp Genetics (formerly Invitae), Labcorp); PubMed 32873932 (cited by PXE International).